The following is an entry in ClinVar:

ClinVar aggregate classification (germline): Uncertain significance (1 of 4 stars; one submission).

Submission:

Labcorp Genetics (formerly Invitae), Labcorp
Classification: Uncertain significance. Last evaluated: 2022-07-19. Review status: criteria provided, single submitter. Criteria: Invitae Variant Classification Sherloc (09022015). Collection method: clinical testing. Allele origin: germline.
Comment: In summary, the available evidence is currently insufficient to determine the role of this variant in disease. Therefore, it has been classified as a Variant of Uncertain Significance. Variants that disrupt the consensus splice site are a relatively common cause of aberrant splicing (PMID: 17576681, 9536098). Algorithms developed to predict the effect of sequence changes on RNA splicing suggest that this variant may disrupt the consensus splice site. This variant has not been reported in the literature in individuals affected with WNT1-related conditions. This variant is not present in population databases (gnomAD no frequency). This sequence change falls in intron 2 of the WNT1 gene. It does not directly change the encoded amino acid sequence of the WNT1 protein. It affects a nucleotide within the consensus splice site.

Literature cited by the submitters: PubMed 17576681; PubMed 9536098.

NM_005430.4(WNT1):c.358+5G>T

Gene: WNT1 (Wnt family member 1; plus strand). Cytogenetic location: 12q13.12.
Variant type: single nucleotide variant.
Coding change: c.358+5G>T on transcript NM_005430.4 (MANE Select); 5 bases into the intron after coding-DNA position 358, G replaced by T.
Molecular consequence: intron variant.
Genome position (GRCh38, 1-based): chr12:48,979,726, G>T. VCF-style: chr12-48979726-G-T. GRCh37 (hg19) VCF-style: chr12-49373509-G-T.
Identifiers: ClinVar variation 2018075 (VCV002018075.4), dbSNP rs2498946585, ClinGen allele CA2580085657.